The following is an entry in ClinVar:

NM_000215.4(JAK3):c.1969C>T (p.Arg657Trp)

Gene: JAK3 (Janus kinase 3; minus strand). Cytogenetic location: 19p13.11.
Variant type: single nucleotide variant.
Coding change: c.1969C>T on transcript NM_000215.4 (MANE Select); coding-DNA position 1969, C replaced by T.
Protein change: p.Arg657Trp; replaces arginine 657 with tryptophan.
Molecular consequence: missense variant.
Genome position (GRCh38, 1-based): chr19:17,835,161, G>A on the plus strand (C>T on the coding strand, the complement: JAK3 is on the minus strand). VCF-style: chr19-17835161-G-A. GRCh37 (hg19) VCF-style: chr19-17945970-G-A.
Other names: short protein forms R657W.
Identifiers: ClinVar variation 568283 (VCV000568283.7), dbSNP rs1568403015, ClinGen allele CA404768310.
Genomic context (GRCh38, chr19:17,835,161, plus strand): 5'-CGGGGCTGACCCCAGGGTCACTCAGCTTGATGAAGGGCGGGCTCCCATCAGCCCCCTCCC[G>A]AGCCAGGAGCACCTTCCGGGCAGAGACATTGCCATGGGGCAGGCCTTTGTCCTCCTAAGG-3'
Protein context (NP_000206.2, residues 647-667): NVSARKVLLA[Arg657Trp]EGADGSPPFI

ClinVar aggregate classification (germline): Uncertain significance (1 of 4 stars; one submission).

Conditions:
T-B+ severe combined immunodeficiency due to JAK3 deficiency. Also called: SCID, autosomal recessive, T-negative/B-positive type; SCID, T CELL-NEGATIVE, B CELL-POSITIVE, NK CELL-NEGATIVE. Identifiers: Orphanet 35078, MedGen C1833275, MONDO:0010938, OMIM 600802.

Allele frequency attached by ClinVar (database versions not stated): gnomAD exomes 0.00001.
gnomAD v4.1: 15 of 1,614,220 alleles (0.00093%); highest among the groups gnomAD compares: East Asian, 0.0022%; no homozygotes.

Submission:

Labcorp Genetics (formerly Invitae), Labcorp
Classification: Uncertain significance for T-B+ severe combined immunodeficiency due to JAK3 deficiency. Last evaluated: 2018-03-04. Review status: criteria provided, single submitter. Criteria: Invitae Variant Classification Sherloc (09022015). Collection method: clinical testing. Allele origin: germline.
Comment: In summary, the available evidence is currently insufficient to determine the role of this variant in disease. Therefore, it has been classified as a Variant of Uncertain Significance. Algorithms developed to predict the effect of missense changes on protein structure and function (SIFT, PolyPhen-2, Align-GVGD) all suggest that this variant is likely to be disruptive, but these predictions have not been confirmed by published functional studies and their clinical significance is uncertain. This variant has not been reported in the literature in individuals with JAK3-related disease. This variant is not present in population databases (ExAC no frequency). This sequence change replaces arginine with tryptophan at codon 657 of the JAK3 protein (p.Arg657Trp). The arginine residue is highly conserved and there is a moderate physicochemical difference between arginine and tryptophan.